The following is an entry in ClinVar:

ClinVar aggregate classification (germline): Pathogenic (1 of 4 stars; one submission).

Conditions:
Familial adenomatous polyposis 1 (FAP1). Also called: FAMILIAL ADENOMATOUS POLYPOSIS 1, ATTENUATED; POLYPOSIS, ADENOMATOUS INTESTINAL. Identifiers: MedGen C2713442, MONDO:0021056, OMIM 175100. Disease mechanism: loss of function.

Submission:

Myriad Genetics, Inc.
Classification: Pathogenic for Familial adenomatous polyposis 1. Last evaluated: 2023-06-13. Review status: criteria provided, single submitter. Criteria: Myriad Autosomal Dominant, Autosomal Recessive and X-Linked Classification Criteria (2023). Collection method: clinical testing. Allele origin: unknown.
Comment: This variant is considered pathogenic. This variant creates a frameshift predicted to result in premature protein truncation.

NM_000038.6(APC):c.2688del (p.Ile897fs)

Gene: APC (APC regulator of Wnt signaling pathway; plus strand). Cytogenetic location: 5q22.2.
Variant type: Deletion.
Coding change: c.2688del on transcript NM_000038.6 (MANE Select); coding-DNA position 2688, one base deleted (C; older notation c.2688delC).
Protein change: p.Ile897fs; shifts the reading frame from isoleucine 897.
Molecular consequence: frameshift variant. On other transcripts: non-coding transcript variant (2).
Genome position (GRCh38, 1-based): chr5:112,838,282, C deleted; the last of 2 consecutive C bases (chr5:112,838,281-112,838,282); deleting either gives the same sequence. VCF-style (leftmost placement, unchanged base first): chr5-112838280-GC-G. GRCh37 (hg19) VCF-style: chr5-112173977-GC-G.
Other names: c.2742del, p.Ile915fs (NM_001407448.1, NM_001407449.1, NM_001354896.2 and 1 more transcripts); c.2667del, p.Ile890fs (NM_001407451.1); c.2658del, p.Ile887fs (NM_001407452.1); c.2439del, p.Ile814fs (NM_001407455.1, NM_001407454.1, NM_001407456.1 and 1 more transcripts); c.2688del, p.Ile897fs (NM_001407450.1, NM_001127510.3, NM_001354895.2); c.2511del, p.Ile838fs (NM_001407453.1, NM_001354901.2); c.2634del, p.Ile879fs (NM_001127511.3); c.2718del, p.Ile907fs (NM_001354897.2); and 11 more; short protein forms I513fs, I614fs, I737fs, I768fs, I771fs, I796fs, I806fs, I814fs.
Identifiers: ClinVar variation 2583845 (VCV002583845.1), dbSNP rs2533442330, ClinGen allele CA2582341390.
Genomic context (GRCh38, chr5:112,838,280, plus strand): 5'-CGAGGTTTGCAGATCTCCACCACTGCAGCCCAGATTGCCAAAGTCATGGAAGAAGTGTCA[GC>G]CATTCATACCTCTCAGGAAGACAGAAGTTCTGGGTCTACCACTGAATTACATTGTGTGAC-3'